The following is an entry in ClinVar:

ClinVar aggregate classification (germline): Conflicting classifications of pathogenicity. Review status: criteria provided, conflicting classifications (1 of 4 stars). 3 submissions from 3 submitters: Uncertain significance (2); Likely benign (1). Last evaluated 2025-08-29.

Allele frequency attached by ClinVar (database versions not stated): gnomAD 0.00005; gnomAD exomes 0.00008; ExAC 0.00012; TOPMed 0.00050.
gnomAD v4.1: 179 of 1,614,096 alleles (0.011%); highest among the groups gnomAD compares: Middle Eastern, 0.082%; 1 homozygote.

Submissions (3):

Ambry Genetics
Classification: Uncertain significance. Last evaluated: 2025-08-29. Review status: criteria provided, single submitter. Criteria: Ambry Variant Classification Scheme 2023. Collection method: clinical testing. Allele origin: germline.

Blueprint Genetics
Classification: Likely benign. Last evaluated: 2024-11-26. Review status: criteria provided, single submitter. Criteria: ACMG Guidelines, 2015. Collection method: clinical testing. Allele origin: germline.

Labcorp Genetics (formerly Invitae), Labcorp
Classification: Uncertain significance. Last evaluated: 2024-02-07. Review status: criteria provided, single submitter. Criteria: Invitae Variant Classification Sherloc (09022015). Collection method: clinical testing. Allele origin: germline.
Comment: This sequence change replaces valine, which is neutral and non-polar, with alanine, which is neutral and non-polar, at codon 3484 of the FAT2 protein (p.Val3484Ala). This variant is present in population databases (rs746392940, gnomAD 0.04%). This variant has not been reported in the literature in individuals affected with FAT2-related conditions. ClinVar contains an entry for this variant (Variation ID: 2073090). An algorithm developed to predict the effect of missense changes on protein structure and function (PolyPhen-2) suggests that this variant is likely to be tolerated. In summary, the available evidence is currently insufficient to determine the role of this variant in disease. Therefore, it has been classified as a Variant of Uncertain Significance.

NM_001447.3(FAT2):c.10451T>C (p.Val3484Ala)

Genes: FAT2 (FAT atypical cadherin 2; minus strand), SLC36A1 (solute carrier family 36 member 1; plus strand). Cytogenetic location: 5q33.1.
Variant type: single nucleotide variant.
Coding change: c.10451T>C on transcript NM_001447.3 (MANE Select); coding-DNA position 10451, T replaced by C.
Protein change: p.Val3484Ala; replaces valine 3484 with alanine.
Molecular consequence: missense variant.
Genome position (GRCh38, 1-based): chr5:151,525,823, A>G on the plus strand (T>C on the coding strand, the complement: FAT2 is on the minus strand). VCF-style: chr5-151525823-A-G. GRCh37 (hg19) VCF-style: chr5-150905384-A-G.
Other names: c.10451T>C (NM_001447.2); short protein forms V3484A.
Identifiers: ClinVar variation 2073090 (VCV002073090.7), dbSNP rs746392940, ClinGen allele CA3520250.